The following is an entry in ClinVar:

ClinVar aggregate classification (germline): Uncertain significance. Review status: criteria provided, multiple submitters, no conflicts (2 of 4 stars). 2 submissions from 2 submitters: Uncertain significance (2). Last evaluated 2025-08-28.

Conditions:
Inborn genetic diseases. Identifiers: MedGen C0950123, MeSH D030342.
Sulfite oxidase deficiency due to molybdenum cofactor deficiency type C. Also called: Molybdenum cofactor deficiency, complementation group C; Molybdenum cofactor deficiency C. Identifiers: Orphanet 308400, Orphanet 833, MedGen C1854990, MONDO:0014212, OMIM 615501.

Allele frequency attached by ClinVar (database versions not stated): ExAC 0.00001; gnomAD 0.00001.
gnomAD v4.1: 5 of 1,613,632 alleles (0.00031%); highest among the groups gnomAD compares: African/African-American, 0.0013%; no homozygotes.

Submissions (2):

Ambry Genetics
Classification: Uncertain significance for Inborn genetic diseases. Last evaluated: 2025-08-28. Review status: criteria provided, single submitter. Criteria: Ambry Variant Classification Scheme 2023. Collection method: clinical testing. Allele origin: germline.

Labcorp Genetics (formerly Invitae), Labcorp
Classification: Uncertain significance for Sulfite oxidase deficiency due to molybdenum cofactor deficiency type C. Last evaluated: 2024-09-17. Review status: criteria provided, single submitter. Criteria: Invitae Variant Classification Sherloc (09022015). Collection method: clinical testing. Allele origin: germline.
Comment: This sequence change replaces isoleucine, which is neutral and non-polar, with valine, which is neutral and non-polar, at codon 466 of the GPHN protein (p.Ile466Val). This variant is present in population databases (rs763215102, gnomAD 0.002%). This variant has not been reported in the literature in individuals affected with GPHN-related conditions. ClinVar contains an entry for this variant (Variation ID: 2141113). Invitae Evidence Modeling of protein sequence and biophysical properties (such as structural, functional, and spatial information, amino acid conservation, physicochemical variation, residue mobility, and thermodynamic stability) indicates that this missense variant is not expected to disrupt GPHN protein function with a negative predictive value of 80%. In summary, the available evidence is currently insufficient to determine the role of this variant in disease. Therefore, it has been classified as a Variant of Uncertain Significance.

NM_020806.5(GPHN):c.1396A>G (p.Ile466Val)

Gene: GPHN (gephyrin; plus strand). Cytogenetic location: 14q23.3.
Variant type: single nucleotide variant.
Coding change: c.1396A>G on transcript NM_020806.5 (MANE Select); coding-DNA position 1396, A replaced by G.
Protein change: p.Ile466Val; replaces isoleucine 466 with valine.
Molecular consequence: missense variant.
Genome position (GRCh38, 1-based): chr14:67,110,242, A>G. VCF-style: chr14-67110242-A-G. GRCh37 (hg19) VCF-style: chr14-67576959-A-G.
Other names: c.1297A>G, p.Ile433Val (NM_001024218.2); c.1456A>G, p.Ile486Val (NM_001377514.1); c.1426A>G, p.Ile476Val (NM_001377515.1); c.1417A>G, p.Ile473Val (NM_001377516.1); c.1369A>G, p.Ile457Val (NM_001377517.1); c.1354A>G, p.Ile452Val (NM_001377518.1); c.1336A>G, p.Ile446Val (NM_001377519.1); c.1396A>G (NM_020806.4); short protein forms I446V, I457V, I466V, I486V, I433V, I452V, I473V, I476V.
Identifiers: ClinVar variation 2141113 (VCV002141113.5), dbSNP rs763215102, ClinGen allele CA7234067.